The following is an entry in ClinVar:

NM_002519.3(NPAT):c.112G>A (p.Ala38Thr)

Gene: NPAT (nuclear protein, coactivator of histone transcription; minus strand). Cytogenetic location: 11q22.3.
Variant type: single nucleotide variant.
Coding change: c.112G>A on transcript NM_002519.3 (MANE Select); coding-DNA position 112, G replaced by A.
Protein change: p.Ala38Thr; replaces alanine 38 with threonine.
Molecular consequence: missense variant.
Genome position (GRCh38, 1-based): chr11:108,197,346, C>T on the plus strand (G>A on the coding strand, the complement: NPAT is on the minus strand). VCF-style: chr11-108197346-C-T. GRCh37 (hg19) VCF-style: chr11-108068073-C-T.
Other names: c.112G>A, p.Ala38Thr (NM_001321307.1); short protein forms A38T.
Identifiers: ClinVar variation 2447469 (VCV002447469.2), dbSNP rs2496760091, ClinGen allele CA382528168.

ClinVar aggregate classification (germline): Uncertain significance (1 of 4 stars; one submission).

Allele frequency attached by ClinVar (database versions not stated): gnomAD exomes below 0.00001.

Submission:

Ambry Genetics
Classification: Uncertain significance. Last evaluated: 2023-01-05. Review status: criteria provided, single submitter. Criteria: Ambry Variant Classification Scheme 2023. Collection method: clinical testing. Allele origin: germline.
Comment: The p.A38T variant (also known as c.112G>A), located in coding exon 2 of the NPAT gene, results from a G to A substitution at nucleotide position 112. The alanine at codon 38 is replaced by threonine, an amino acid with similar properties. This amino acid position is conserved. In addition, this alteration is predicted to be tolerated by in silico analysis. Since supporting evidence is limited at this time, the clinical significance of this alteration remains unclear.